The following is an entry in ClinVar:

NM_021961.6(TEAD1):c.887G>A (p.Cys296Tyr)

Gene: TEAD1 (TEA domain transcription factor 1; plus strand). Cytogenetic location: 11p15.3.
Variant type: single nucleotide variant.
Coding change: c.887G>A on transcript NM_021961.6 (MANE Select); coding-DNA position 887, G replaced by A.
Protein change: p.Cys296Tyr; replaces cysteine 296 with tyrosine.
Molecular consequence: missense variant.
Genome position (GRCh38, 1-based): chr11:12,924,925, G>A. VCF-style: chr11-12924925-G-A. GRCh37 (hg19) VCF-style: chr11-12946472-G-A.
Other names: short protein forms C296Y.
Identifiers: ClinVar variation 1968228 (VCV001968228.5), dbSNP rs1948881095, ClinGen allele CA379708149.

ClinVar aggregate classification (germline): Uncertain significance (1 of 4 stars; one submission).

Allele frequency attached by ClinVar (database versions not stated): gnomAD exomes below 0.00001.
gnomAD v4.1: 3 of 1,614,144 alleles (0.00019%); highest among the groups gnomAD compares: African/African-American, 0.0027%; no homozygotes.

Submission:

Labcorp Genetics (formerly Invitae), Labcorp
Classification: Uncertain significance. Last evaluated: 2022-09-08. Review status: criteria provided, single submitter. Criteria: Invitae Variant Classification Sherloc (09022015). Collection method: clinical testing. Allele origin: germline.
Comment: In summary, the available evidence is currently insufficient to determine the role of this variant in disease. Therefore, it has been classified as a Variant of Uncertain Significance. Advanced modeling of protein sequence and biophysical properties (such as structural, functional, and spatial information, amino acid conservation, physicochemical variation, residue mobility, and thermodynamic stability) performed at Invitae indicates that this missense variant is not expected to disrupt TEAD1 protein function. This variant has not been reported in the literature in individuals affected with TEAD1-related conditions. This variant is not present in population databases (gnomAD no frequency). This sequence change replaces cysteine, which is neutral and slightly polar, with tyrosine, which is neutral and polar, at codon 296 of the TEAD1 protein (p.Cys296Tyr).